The following is an entry in ClinVar:

NM_152393.4(KLHL40):c.1134G>A (p.Met378Ile)

Gene: KLHL40 (kelch like family member 40; plus strand). Cytogenetic location: 3p22.1.
Variant type: single nucleotide variant.
Coding change: c.1134G>A on transcript NM_152393.4 (MANE Select); coding-DNA position 1134, G replaced by A.
Protein change: p.Met378Ile; replaces methionine 378 with isoleucine.
Molecular consequence: missense variant.
Genome position (GRCh38, 1-based): chr3:42,686,752, G>A. VCF-style: chr3-42686752-G-A. GRCh37 (hg19) VCF-style: chr3-42728244-G-A.
Other names: c.1134G>A (NM_152393.2); short protein forms M378I.
Identifiers: ClinVar variation 1310921 (VCV001310921.3), dbSNP rs371753773, ClinGen allele CA74192165.
Genomic context (GRCh38, chr3:42,686,752, plus strand): 5'-GAACCAGGTCTTCGTGGCTGGAGGCCTCTTCTACAACGAAGACAACAAAGAGGACCCCAT[G>A]AGCGCATACTTCCTGCAGGTGCCTGACCAGCCTTGGGAGCCGCCAGCTAATGCTGGGCTC-3'
Protein context (NP_689606.2, residues 368-388): FYNEDNKEDP[Met378Ile]SAYFLQFDHL

ClinVar aggregate classification (germline): Uncertain significance. Review status: criteria provided, multiple submitters, no conflicts (2 of 4 stars). 2 submissions from 2 submitters: Uncertain significance (2). Last evaluated 2024-03-18.

Conditions:
Inborn genetic diseases. Identifiers: MedGen C0950123, MeSH D030342.

Allele frequency attached by ClinVar (database versions not stated): gnomAD 0.00001; gnomAD exomes 0.00001 and 0.00002; TOPMed 0.00002; ESP Exome Variant Server 0.00008.
gnomAD v4.1: 30 of 1,610,922 alleles (0.0019%); highest among the groups gnomAD compares: Non-Finnish European, 0.0024%; no homozygotes.

Submissions (2):

Ambry Genetics
Classification: Uncertain significance for Inborn genetic diseases. Last evaluated: 2024-03-18. Review status: criteria provided, single submitter. Criteria: Ambry Variant Classification Scheme 2023. Collection method: clinical testing. Allele origin: germline.

GeneDx
Classification: Uncertain significance. Last evaluated: 2019-12-13. Review status: criteria provided, single submitter. Criteria: GeneDx Variant Classification Process June 2021. Collection method: clinical testing. Allele origin: germline. Affected: yes.
Comment: Not observed at a significant frequency in large population cohorts (Lek et al., 2016); In silico analysis, which includes protein predictors and evolutionary conservation, supports that this variant does not alter protein structure/function; Has not been previously published as pathogenic or benign to our knowledge